The following is an entry in ClinVar:

ClinVar aggregate classification (germline): Pathogenic (1 of 4 stars; one submission).

Conditions:
Vici syndrome (VICIS). Identifiers: Orphanet 1493, MedGen C1855772, MONDO:0009452, OMIM 242840.

Submission:

Labcorp Genetics (formerly Invitae), Labcorp
Classification: Pathogenic for Vici syndrome. Last evaluated: 2024-02-06. Review status: criteria provided, single submitter. Criteria: Invitae Variant Classification Sherloc (09022015). Collection method: clinical testing. Allele origin: germline.
Comment: This sequence change creates a premature translational stop signal (p.Gln1603*) in the EPG5 gene. It is expected to result in an absent or disrupted protein product. Loss-of-function variants in EPG5 are known to be pathogenic (PMID: 23222957, 23674064). This variant is not present in population databases (gnomAD no frequency). This variant has not been reported in the literature in individuals affected with EPG5-related conditions. For these reasons, this variant has been classified as Pathogenic.

Literature cited by the submitters: PubMed 23222957; PubMed 23674064.

NM_020964.3(EPG5):c.4807C>T (p.Gln1603Ter)

Gene: EPG5 (ectopic P-granules 5 autophagy tethering factor; minus strand). Cytogenetic location: 18q12.3.
Variant type: single nucleotide variant.
Coding change: c.4807C>T on transcript NM_020964.3 (MANE Select); coding-DNA position 4807, C replaced by T.
Protein change: p.Gln1603Ter; replaces glutamine 1603 with a stop codon.
Molecular consequence: nonsense.
Genome position (GRCh38, 1-based): chr18:45,899,406, G>A on the plus strand (C>T on the coding strand, the complement: EPG5 is on the minus strand). VCF-style: chr18-45899406-G-A. GRCh37 (hg19) VCF-style: chr18-43479371-G-A.
Other names: c.4807C>T, p.Gln1603Ter (NM_001410858.1, NM_001410859.1); short protein forms Q1603*.
Identifiers: ClinVar variation 3626164 (VCV003626164.2).